The following is an entry in ClinVar:

NM_000122.2(ERCC3):c.284A>G (p.Tyr95Cys)

Gene: ERCC3 (ERCC excision repair 3, TFIIH core complex helicase subunit; minus strand). Cytogenetic location: 2q14.3.
Variant type: single nucleotide variant.
Coding change: c.284A>G on transcript NM_000122.2 (MANE Select); coding-DNA position 284, A replaced by G.
Protein change: p.Tyr95Cys; replaces tyrosine 95 with cysteine.
Molecular consequence: missense variant.
Genome position (GRCh38, 1-based): chr2:127,292,797, T>C on the plus strand (A>G on the coding strand, the complement: ERCC3 is on the minus strand). VCF-style: chr2-127292797-T-C. GRCh37 (hg19) VCF-style: chr2-128050373-T-C.
Other names: c.92A>G, p.Tyr31Cys (NM_001303416.2, NM_001303418.2); short protein forms Y31C, Y95C.
Identifiers: ClinVar variation 1963501 (VCV001963501.5), dbSNP rs2468068048, ClinGen allele CA348391859.

ClinVar aggregate classification (germline): Uncertain significance (1 of 4 stars; one submission).

Allele frequency attached by ClinVar (database versions not stated): gnomAD exomes below 0.00001.
gnomAD v4.1: 2 of 1,613,902 alleles (0.00012%); highest among the groups gnomAD compares: Non-Finnish European, 0.000085%; no homozygotes.

Submission:

Labcorp Genetics (formerly Invitae), Labcorp
Classification: Uncertain significance. Last evaluated: 2022-05-04. Review status: criteria provided, single submitter. Criteria: Invitae Variant Classification Sherloc (09022015). Collection method: clinical testing. Allele origin: germline.
Comment: In summary, the available evidence is currently insufficient to determine the role of this variant in disease. Therefore, it has been classified as a Variant of Uncertain Significance. Algorithms developed to predict the effect of missense changes on protein structure and function are either unavailable or do not agree on the potential impact of this missense change (SIFT: "Deleterious"; PolyPhen-2: "Possibly Damaging"; Align-GVGD: "Class C0"). This variant has not been reported in the literature in individuals affected with ERCC3-related conditions. This variant is not present in population databases (gnomAD no frequency). This sequence change replaces tyrosine, which is neutral and polar, with cysteine, which is neutral and slightly polar, at codon 95 of the ERCC3 protein (p.Tyr95Cys).